The following is an entry in ClinVar:

ClinVar aggregate classification (germline): Uncertain significance (1 of 4 stars; one submission).

Conditions:
Bloom syndrome (BLM). Also called: Bloom-Torre-Machacek syndrome. Identifiers: Orphanet 125, MedGen C0005859, MONDO:0008876, OMIM 210900.

Allele frequency attached by ClinVar (database versions not stated): gnomAD exomes below 0.00001.
gnomAD v4.1: 1 of 1,518,556 alleles (0.000066%); highest among the groups gnomAD compares: Non-Finnish European, 0.000088%; no homozygotes.

Submission:

Labcorp Genetics (formerly Invitae), Labcorp
Classification: Uncertain significance for Bloom syndrome. Last evaluated: 2023-09-10. Review status: criteria provided, single submitter. Criteria: Invitae Variant Classification Sherloc (09022015). Collection method: clinical testing. Allele origin: germline.
Comment: This variant is not present in population databases (gnomAD no frequency). This variant has not been reported in the literature in individuals affected with BLM-related conditions. An algorithm developed to predict the effect of missense changes on protein structure and function (PolyPhen-2) suggests that this variant¬¨‚Ä†is likely to be tolerated. In summary, the available evidence is currently insufficient to determine the role of this variant in disease. Therefore, it has been classified as a Variant of Uncertain Significance. This sequence change replaces threonine, which is neutral and polar, with isoleucine, which is neutral and non-polar, at codon 627 of the BLM protein (p.Thr627Ile).

NM_000057.4(BLM):c.1880C>T (p.Thr627Ile)

Gene: BLM (BLM RecQ like helicase; plus strand). Cytogenetic location: 15q26.1.
Variant type: single nucleotide variant.
Coding change: c.1880C>T on transcript NM_000057.4 (MANE Select); coding-DNA position 1880, C replaced by T.
Protein change: p.Thr627Ile; replaces threonine 627 with isoleucine.
Molecular consequence: missense variant.
Genome position (GRCh38, 1-based): chr15:90,761,253, C>T. VCF-style: chr15-90761253-C-T. GRCh37 (hg19) VCF-style: chr15-91304483-C-T.
Other names: c.1880C>T, p.Thr627Ile (NM_001287246.2, NM_001287247.2); c.755C>T, p.Thr252Ile (NM_001287248.2); short protein forms T252I, T627I.
Identifiers: ClinVar variation 2815202 (VCV002815202.2), dbSNP rs2151159217, ClinGen allele CA393844046.